The following is an entry in ClinVar:

NM_000080.4(CHRNE):c.1017C>G (p.Ser339=)

Gene: CHRNE (cholinergic receptor nicotinic epsilon subunit; minus strand). Cytogenetic location: 17p13.2.
Variant type: single nucleotide variant.
Coding change: c.1017C>G on transcript NM_000080.4 (MANE Select); coding-DNA position 1017, C replaced by G.
Protein change: p.Ser339=; no amino-acid change (serine 339 retained).
Molecular consequence: synonymous variant.
Genome position (GRCh38, 1-based): chr17:4,899,483, G>C on the plus strand (C>G on the coding strand, the complement: CHRNE is on the minus strand). VCF-style: chr17-4899483-G-C. GRCh37 (hg19) VCF-style: chr17-4802778-G-C.
Other names: p.Ser339=; c.1017C>G, p.Ser339= (LRG_1254t1).
Identifiers: ClinVar variation 128760 (VCV000128760.24), dbSNP rs114454383, ClinGen allele CA152404.
Genomic context (GRCh38, chr17:4,899,483, plus strand): 5'-GAAGCCCCACCCCGACCCGGGCTGCACCGCCCCCTCCGCGCTTACGTGGCGCAGCCGCGG[G>C]GACATGGCGTGGGTGGTGGGCGTCCGCTGGGACACGTTGAGCACGATGACGCAATTCATG-3'
Protein context (NP_000071.1, residues 329-349): SQRTPTTHAM[Ser339=]PRLRHVLLEL

ClinVar aggregate classification (germline): Benign. Review status: criteria provided, multiple submitters, no conflicts (2 of 4 stars). 7 submissions from 7 submitters: Benign (5). 2 of the submissions do not count toward it. Last evaluated 2026-02-02.

Conditions:
Congenital myasthenic syndrome (CMS). Also called: Congenital Myasthenic Syndromes. Identifiers: Orphanet 590, MedGen C0751882, MeSH D020294, MONDO:0018940.
Congenital myasthenic syndrome 4A. Also called: MYASTHENIC SYNDROME, CONGENITAL, 4A, SLOW-CHANNEL, AUTOSOMAL RECESSIVE; Myasthenic syndrome, congenital, 4a, slow-channel; CONGENITAL MYASTHENIC SYNDROME TYPE Ia1. Identifiers: Orphanet 590, MedGen C4225413, MONDO:0011600, OMIM 605809.

Allele frequency attached by ClinVar (database versions not stated): ExAC 0.00541; gnomAD 0.00816; 1000 Genomes Project 0.00859; ESP Exome Variant Server 0.00931; TOPMed 0.00952; 1000 Genomes Project 30x 0.00953.
gnomAD v4.1: 2,621 of 1,598,656 alleles (0.16%); highest among the groups gnomAD compares: African/African-American, 3%; 33 homozygotes.

Submissions (7):

Labcorp Genetics (formerly Invitae), Labcorp
Classification: Benign for Congenital myasthenic syndrome 4A. Last evaluated: 2026-02-02. Review status: criteria provided, single submitter. Criteria: Invitae Variant Classification Sherloc (09022015). Collection method: clinical testing. Allele origin: germline.

Mayo Clinic Laboratories, Mayo Clinic
Classification: Benign. Last evaluated: 2023-09-27. Review status: criteria provided, single submitter. Criteria: ACMG Guidelines, 2015. Collection method: clinical testing. Allele origin: germline. Observed: 4 variant alleles.
Comment: BS1, BS2, BP4, BP7

GeneDx
Classification: Benign. Last evaluated: 2019-12-06. Review status: criteria provided, single submitter. Criteria: GeneDx Variant Classification Process June 2021. Collection method: clinical testing. Allele origin: germline. Affected: yes.

Athena Diagnostics
Classification: Benign. Last evaluated: 2019-03-19. Review status: criteria provided, single submitter. Criteria: Athena Diagnostics Criteria. Collection method: clinical testing. Allele origin: germline.

Illumina Laboratory Services, Illumina
Classification: Benign for Congenital myasthenic syndrome. Last evaluated: 2018-01-13. Review status: criteria provided, single submitter. Criteria: ICSL Variant Classification Criteria 13 December 2019. Collection method: clinical testing. Allele origin: germline.
Comment: This variant was observed in the ICSL laboratory as part of a predisposition screen in an ostensibly healthy population. It had not been previously curated by ICSL or reported in the Human Gene Mutation Database (HGMD: prior to June 1st, 2018), and was therefore a candidate for classification through an automated scoring system. Utilizing variant allele frequency, disease prevalence and penetrance estimates, and inheritance mode, an automated score was calculated to assess if this variant is too frequent to cause the disease. Based on the score and internal cut-off values, a variant classified as benign is not then subjected to further curation. The score for this variant resulted in a classification of benign for this disease.

Natera, Inc.
Classification: Benign for Congenital myasthenic syndrome. Last evaluated: 2020-09-16. Review status: no assertion criteria provided. Collection method: clinical testing. Allele origin: germline. Not counted in ClinVar's aggregate classification.

Genetic Services Laboratory, University of Chicago
Classification: Likely benign for AllHighlyPenetrant. Review status: no assertion criteria provided. Collection method: clinical testing. Allele origin: germline. Not counted in ClinVar's aggregate classification.
Comment: Likely benign based on allele frequency in 1000 Genomes Project or ESP global frequency and its presence in a patient with a rare or unrelated disease phenotype. NOT Sanger confirmed.